The following is an entry in ClinVar:

ClinVar aggregate classification (germline): Uncertain significance (1 of 4 stars; one submission).

Conditions:
Atrial fibrillation, familial, 7 (ATFB7). Identifiers: MedGen C2677106, MONDO:0012828, OMIM 612240.

Submission:

Labcorp Genetics (formerly Invitae), Labcorp
Classification: Uncertain significance for Atrial fibrillation, familial, 7. Last evaluated: 2021-11-26. Review status: criteria provided, single submitter. Criteria: Invitae Variant Classification Sherloc (09022015). Collection method: clinical testing. Allele origin: germline.
Comment: This sequence change replaces arginine, which is basic and polar, with serine, which is neutral and polar, at codon 550 of the KCNA5 protein (p.Arg550Ser). This variant is not present in population databases (gnomAD no frequency). This variant has not been reported in the literature in individuals affected with KCNA5-related conditions. Algorithms developed to predict the effect of missense changes on protein structure and function output the following: SIFT: "Tolerated"; PolyPhen-2: "Benign"; Align-GVGD: "Class C0". The serine amino acid residue is found in multiple mammalian species, which suggests that this missense change does not adversely affect protein function. In summary, the available evidence is currently insufficient to determine the role of this variant in disease. Therefore, it has been classified as a Variant of Uncertain Significance.

NM_002234.4(KCNA5):c.1650A>C (p.Arg550Ser)

Gene: KCNA5 (potassium voltage-gated channel subfamily A member 5; plus strand). Cytogenetic location: 12p13.32.
Variant type: single nucleotide variant.
Coding change: c.1650A>C on transcript NM_002234.4 (MANE Select); coding-DNA position 1650, A replaced by C.
Protein change: p.Arg550Ser; replaces arginine 550 with serine.
Molecular consequence: missense variant.
Genome position (GRCh38, 1-based): chr12:5,045,797, A>C. VCF-style: chr12-5045797-A-C. GRCh37 (hg19) VCF-style: chr12-5154963-A-C.
Other names: short protein forms R550S.
Identifiers: ClinVar variation 1392343 (VCV001392343.6), dbSNP rs762958451, ClinGen allele CA383466936.